The following is an entry in ClinVar:

ClinVar aggregate classification (germline): Uncertain significance. Review status: criteria provided, multiple submitters, no conflicts (2 of 4 stars). 2 submissions from 2 submitters: Uncertain significance (2). Last evaluated 2024-11-09.

gnomAD v4.1: 5 of 1,614,096 alleles (0.00031%); highest among the groups gnomAD compares: South Asian, 0.0055%; no homozygotes.

Submissions (2):

Ambry Genetics
Classification: Uncertain significance. Last evaluated: 2024-11-09. Review status: criteria provided, single submitter. Criteria: Ambry Variant Classification Scheme 2023. Collection method: clinical testing. Allele origin: germline.

Labcorp Genetics (formerly Invitae), Labcorp
Classification: Uncertain significance. Last evaluated: 2020-05-23. Review status: criteria provided, single submitter. Criteria: Invitae Variant Classification Sherloc (09022015). Collection method: clinical testing. Allele origin: germline.
Comment: This sequence change replaces arginine with methionine at codon 410 of the RINT1 protein (p.Arg410Met). The arginine residue is moderately conserved and there is a moderate physicochemical difference between arginine and methionine. This variant is not present in population databases (ExAC no frequency). This variant has not been reported in the literature in individuals with RINT1-related conditions. Algorithms developed to predict the effect of missense changes on protein structure and function are either unavailable or do not agree on the potential impact of this missense change (SIFT: "Deleterious"; PolyPhen-2: "Possibly Damaging"; Align-GVGD: "Class C0"). In summary, the available evidence is currently insufficient to determine the role of this variant in disease. Therefore, it has been classified as a Variant of Uncertain Significance.

NM_021930.6(RINT1):c.1229G>T (p.Arg410Met)

Gene: RINT1 (RAD50 interactor 1; plus strand). Cytogenetic location: 7q22.3.
Variant type: single nucleotide variant.
Coding change: c.1229G>T on transcript NM_021930.6 (MANE Select); coding-DNA position 1229, G replaced by T.
Protein change: p.Arg410Met; replaces arginine 410 with methionine.
Molecular consequence: missense variant. On other transcripts: non-coding transcript variant (1).
Genome position (GRCh38, 1-based): chr7:105,550,382, G>T. VCF-style: chr7-105550382-G-T. GRCh37 (hg19) VCF-style: chr7-105190829-G-T.
Other names: c.1229G>T (NM_021930.4); c.995G>T, p.Arg332Met (NM_001346599.2); c.206G>T, p.Arg69Met (NM_001346600.2, NM_001346603.2); c.305G>T, p.Arg102Met (NM_001346601.2); short protein forms R102M, R332M, R410M, R69M.
Identifiers: ClinVar variation 1003620 (VCV001003620.9), dbSNP rs1790876780, ClinGen allele CA368809241.